The following is an entry in ClinVar:

ClinVar aggregate classification (germline): Uncertain significance. Review status: criteria provided, multiple submitters, no conflicts (2 of 4 stars). 2 submissions from 2 submitters: Uncertain significance (2). Last evaluated 2025-08-07.

gnomAD v4.1: 1 of 1,613,940 alleles (0.000062%); highest among the groups gnomAD compares: Non-Finnish European, 0.000085%; no homozygotes.

Submissions (2):

Dasa
Classification: Uncertain significance. Last evaluated: 2025-08-07. Review status: criteria provided, single submitter. Criteria: DASA Assertion Criteria. Collection method: clinical testing. Allele origin: germline.
Comment: NM_001253697.2(ERBIN):c.3575T>C (p.Val1192Ala) is a missense variant that results in the substitution of valine with alanine. This variant is rare in population databases. The currently available literature and clinical evidence are not sufficient to establish a definitive association between this variant and the reported condition. Therefore, this variant is classified as a variant of uncertain significance.

Labcorp Genetics (formerly Invitae), Labcorp
Classification: Uncertain significance. Last evaluated: 2024-04-09. Review status: criteria provided, single submitter. Criteria: Invitae Variant Classification Sherloc (09022015). Collection method: clinical testing. Allele origin: germline.
Comment: This sequence change replaces valine, which is neutral and non-polar, with alanine, which is neutral and non-polar, at codon 1192 of the ERBIN protein (p.Val1192Ala). This variant is not present in population databases (gnomAD no frequency). This variant has not been reported in the literature in individuals affected with ERBIN-related conditions. ClinVar contains an entry for this variant (Variation ID: 1405044). An algorithm developed to predict the effect of missense changes on protein structure and function (PolyPhen-2) suggests that this variant is likely to be disruptive. In summary, the available evidence is currently insufficient to determine the role of this variant in disease. Therefore, it has been classified as a Variant of Uncertain Significance.

NM_001253697.2(ERBIN):c.3575T>C (p.Val1192Ala)

Gene: ERBIN (erbb2 interacting protein; plus strand). Cytogenetic location: 5q12.3.
Variant type: single nucleotide variant.
Coding change: c.3575T>C on transcript NM_001253697.2 (MANE Select); coding-DNA position 3575, T replaced by C.
Protein change: p.Val1192Ala; replaces valine 1192 with alanine.
Molecular consequence: missense variant.
Genome position (GRCh38, 1-based): chr5:66,054,893, T>C. VCF-style: chr5-66054893-T-C. GRCh37 (hg19) VCF-style: chr5-65350721-T-C.
Other names: c.3575T>C, p.Val1192Ala (NM_001006600.3, NM_001253698.2, NM_001253699.2 and 1 more transcripts); c.3563T>C, p.Val1188Ala (NM_001253701.2); short protein forms V1188A, V1192A.
Identifiers: ClinVar variation 1405044 (VCV001405044.10), dbSNP rs2151242696, ClinGen allele CA359870129.